The following is an entry in ClinVar:

ClinVar aggregate classification (germline): Conflicting classifications of pathogenicity. Review status: criteria provided, conflicting classifications (1 of 4 stars). 12 submissions from 12 submitters: Uncertain significance (3); Benign (3); Likely benign (2). 4 of the submissions do not count toward it. Last evaluated 2026-05-01.

Conditions:
KMT2D-related disorder. Also called: KMT2D-Related Disorders.
Kabuki syndrome. Also called: Kabuki make-up syndrome; NIIKAWA-KUROKI SYNDROME. Identifiers: Orphanet 2322, MedGen C0796004, MONDO:0016512.
Kabuki syndrome 1 (KABUK1). Also called: KMT2D-Related Kabuki Syndrome. Identifiers: Orphanet 2322, MedGen CN030661, MONDO:0007843, OMIM 147920.

Allele frequency attached by ClinVar (database versions not stated): 1000 Genomes Project 30x 0.00016; 1000 Genomes Project 0.00020; ESP Exome Variant Server 0.00042; TOPMed 0.00068.
gnomAD v4.1: 1,692 of 1,613,752 alleles (0.1%); highest among the groups gnomAD compares: Non-Finnish European, 0.1%; 3 homozygotes.

Submissions (12):

CeGaT Center for Human Genetics Tuebingen
Classification: Benign. Last evaluated: 2026-05-01. Review status: criteria provided, single submitter. Criteria: CeGaT Center For Human Genetics Tuebingen Variant Classification Criteria Version 2. Collection method: clinical testing. Allele origin: germline. Affected: yes. Observed: 5 variant alleles.
Comment: KMT2D: BP4, BS1, BS2

Women's Health and Genetics/Laboratory Corporation of America, LabCorp
Classification: Likely benign. Last evaluated: 2026-03-13. Review status: criteria provided, single submitter. Criteria: LabCorp Variant Classification Summary - May 2015. Collection method: clinical testing. Allele origin: germline.

Labcorp Genetics (formerly Invitae), Labcorp
Classification: Benign for Kabuki syndrome. Last evaluated: 2026-01-19. Review status: criteria provided, single submitter. Criteria: Invitae Variant Classification Sherloc (09022015). Collection method: clinical testing. Allele origin: germline.

Blueprint Genetics
Classification: Likely benign. Last evaluated: 2024-04-11. Review status: criteria provided, single submitter. Criteria: ACMG Guidelines, 2015. Collection method: clinical testing. Allele origin: germline.

ARUP Laboratories, Molecular Genetics and Genomics, ARUP Laboratories
Classification: Uncertain significance for Kabuki syndrome 1. Last evaluated: 2021-09-01. Review status: criteria provided, single submitter. Criteria: ARUP Molecular Germline Variant Investigation Process 2021. Collection method: clinical testing. Allele origin: germline.
Comment: The KMT2D c.3392C>T; p.Pro1131Leu variant (rs201623566) is reported in the literature in individuals affected with Kabuki Syndrome (Micale 2014 and Faundes 2019). This variant is found in the Finnish European population with an allele frequency of 0.7% (identified on 164/24,936 alleles, including 1 homozygote) in the Genome Aggregation Database. The proline at codon 1131 is weakly conserved, and computational analyses (SIFT:damaging, PolyPhen-2:benign) predict conflicting effects of this variant on protein structure/function. However, given the lack of clinical and functional data, the significance of the p.Pro1131Leu variant is uncertain at this time. Pathogenic variants in KMT2D are associated with autosomal dominant Kabuki syndrome 1 (MIM: 147920). References: Micale et al. Molecular analysis, pathogenic mechanisms, and readthrough therapy on a large cohort of Kabuki syndrome patients. Hum Mutat. 2014 Jul;35(7):841-50. Faundes et al. A comparative analysis of KMT2D missense variants in Kabuki syndrome, cancers and the general population. J Hum Genet. 2019 Feb;64(2):161-170.

GeneDx
Classification: Benign. Last evaluated: 2020-06-24. Review status: criteria provided, single submitter. Criteria: GeneDx Variant Classification Process June 2021. Collection method: clinical testing. Allele origin: germline. Affected: yes.
Comment: This variant is associated with the following publications: (PMID: 24728327, 30459467, 24633898)

Mendelics
Classification: Uncertain significance for Kabuki syndrome 1. Last evaluated: 2019-05-28. Review status: criteria provided, single submitter. Criteria: Mendelics Assertion Criteria 2017. Collection method: clinical testing. Allele origin: unknown.

Centre for Mendelian Genomics, University Medical Centre Ljubljana
Classification: Uncertain significance for Kabuki syndrome 1. Last evaluated: 2019-03-01. Review status: criteria provided, single submitter. Criteria: ACMG Guidelines, 2015. Collection method: clinical testing. Allele origin: unknown. Affected: yes.
Comment: This variant was classified as: Uncertain significance. The available evidence on this variant's pathogenicity is insufficient or conflicting. The following ACMG criteria were applied in classifying this variant: BP4.

PreventionGenetics, part of Exact Sciences
Classification: Likely benign for KMT2D-related condition. Last evaluated: 2019-03-25. Review status: no assertion criteria provided. Collection method: clinical testing. Allele origin: germline. Not counted in ClinVar's aggregate classification.
Comment: This variant is classified as likely benign based on ACMG/AMP sequence variant interpretation guidelines (Richards et al. 2015 PMID: 25741868, with internal and published modifications).

ITMI
No classification provided. Condition: AllHighlyPenetrant. Last evaluated: 2013-09-19. Review status: no classification provided. Collection method: reference population. Allele origin: germline. Not counted in ClinVar's aggregate classification.
Comment: Please see associated publication for description of ethnicities

Clinical Genetics DNA and cytogenetics Diagnostics Lab, Erasmus MC, Erasmus Medical Center
Classification: Likely benign. Review status: no assertion criteria provided. Collection method: clinical testing. Allele origin: germline. Affected: yes. Study: VKGL Data-share Consensus. Not counted in ClinVar's aggregate classification.

Genome Diagnostics Laboratory, University Medical Center Utrecht
Classification: Likely benign. Review status: no assertion criteria provided. Collection method: clinical testing. Allele origin: germline. Affected: yes. Study: VKGL Data-share Consensus. Not counted in ClinVar's aggregate classification.

Literature cited by the submitters: PubMed 24728327 (cited by ITMI).

NM_003482.4(KMT2D):c.3392C>T (p.Pro1131Leu)

Gene: KMT2D (lysine methyltransferase 2D; minus strand). Cytogenetic location: 12q13.12.
Variant type: single nucleotide variant.
Coding change: c.3392C>T on transcript NM_003482.4 (MANE Select); coding-DNA position 3392, C replaced by T.
Protein change: p.Pro1131Leu; replaces proline 1131 with leucine.
Molecular consequence: missense variant.
Genome position (GRCh38, 1-based): chr12:49,050,196, G>A on the plus strand (C>T on the coding strand, the complement: KMT2D is on the minus strand). VCF-style: chr12-49050196-G-A. GRCh37 (hg19) VCF-style: chr12-49443979-G-A.
Other names: short protein forms P1131L.
Identifiers: ClinVar variation 134672 (VCV000134672.46), dbSNP rs201623566, ClinGen allele CA160509.
Genomic context (GRCh38, chr12:49,050,196, plus strand): 5'-GAGCCTTTAAGTTCACTAGCCAAACTGCCAGGGGTCTGTCCAGGCTCTGGCTGTGAACCC[G>A]GAGCATCAATCCCATCCAGAGGGGCTGTGTCTTCCCCTAGGCCAGAGAAGTCATCCAGGG-3'
Protein context (NP_003473.3, residues 1121-1141): DTAPLDGIDA[Pro1131Leu]GSQPEPGQTP